The following is an entry in ClinVar:

NM_017565.4(FAM20A):c.1502G>A (p.Arg501Lys)

Genes: FAM20A (FAM20A golgi associated secretory pathway pseudokinase; minus strand), PRKAR1A (protein kinase cAMP-dependent type I regulatory subunit alpha; plus strand). Cytogenetic location: 17q24.2.
Variant type: single nucleotide variant.
Coding change: c.1502G>A on transcript NM_017565.4 (MANE Select); coding-DNA position 1502, G replaced by A.
Protein change: p.Arg501Lys; replaces arginine 501 with lysine.
Molecular consequence: missense variant. On other transcripts: non-coding transcript variant (1), intron variant (1).
Genome position (GRCh38, 1-based): chr17:68,537,601, C>T on the plus strand (G>A on the coding strand, the complement: FAM20A is on the minus strand). VCF-style: chr17-68537601-C-T. GRCh37 (hg19) VCF-style: chr17-66533742-C-T.
Other names: c.1088G>A, p.Arg363Lys (NM_001243746.2); c.973+7600C>T (NM_001276290.1); short protein forms R363K, R501K.
Identifiers: ClinVar variation 2100698 (VCV002100698.4), dbSNP rs769671047, ClinGen allele CA8729640.

ClinVar aggregate classification (germline): Uncertain significance (1 of 4 stars; one submission).

Allele frequency attached by ClinVar (database versions not stated): ExAC 0.00003; gnomAD exomes 0.00001.
gnomAD v4.1: 15 of 1,613,662 alleles (0.00093%); highest among the groups gnomAD compares: South Asian, 0.015%; no homozygotes.

Submission:

Labcorp Genetics (formerly Invitae), Labcorp
Classification: Uncertain significance. Last evaluated: 2022-02-20. Review status: criteria provided, single submitter. Criteria: Invitae Variant Classification Sherloc (09022015). Collection method: clinical testing. Allele origin: germline.
Comment: This variant has not been reported in the literature in individuals affected with FAM20A-related conditions. This variant is present in population databases (rs769671047, gnomAD 0.02%). This sequence change replaces arginine, which is basic and polar, with lysine, which is basic and polar, at codon 501 of the FAM20A protein (p.Arg501Lys). Algorithms developed to predict the effect of missense changes on protein structure and function (SIFT, PolyPhen-2, Align-GVGD) all suggest that this variant is likely to be disruptive. In summary, the available evidence is currently insufficient to determine the role of this variant in disease. Therefore, it has been classified as a Variant of Uncertain Significance.